The following is an entry in ClinVar:

NM_014000.3(VCL):c.2582C>T (p.Pro861Leu)

Gene: VCL (vinculin; plus strand). Cytogenetic location: 10q22.2.
Variant type: single nucleotide variant.
Coding change: c.2582C>T on transcript NM_014000.3 (MANE Select); coding-DNA position 2582, C replaced by T.
Protein change: p.Pro861Leu; replaces proline 861 with leucine.
Molecular consequence: missense variant.
Genome position (GRCh38, 1-based): chr10:74,108,993, C>T. VCF-style: chr10-74108993-C-T. GRCh37 (hg19) VCF-style: chr10-75868751-C-T.
Other names: c.2582C>T, p.Pro861Leu (NM_003373.4); short protein forms P861L.
Identifiers: ClinVar variation 3657063 (VCV003657063.2).

ClinVar aggregate classification (germline): Uncertain significance (1 of 4 stars; one submission).

Conditions:
Dilated cardiomyopathy 1W (CMD1W). Identifiers: Orphanet 154, MedGen C1969639, MONDO:0012667, OMIM 611407.

Submission:

Labcorp Genetics (formerly Invitae), Labcorp
Classification: Uncertain significance for Dilated cardiomyopathy 1W. Last evaluated: 2024-06-19. Review status: criteria provided, single submitter. Criteria: Invitae Variant Classification Sherloc (09022015). Collection method: clinical testing. Allele origin: germline.
Comment: This sequence change replaces proline, which is neutral and non-polar, with leucine, which is neutral and non-polar, at codon 861 of the VCL protein (p.Pro861Leu). This variant is not present in population databases (gnomAD no frequency). This variant has not been reported in the literature in individuals affected with VCL-related conditions. An algorithm developed to predict the effect of missense changes on protein structure and function (PolyPhen-2) suggests that this variant is likely to be disruptive. In summary, the available evidence is currently insufficient to determine the role of this variant in disease. Therefore, it has been classified as a Variant of Uncertain Significance.